The following is an entry in ClinVar:

NM_001127222.2(CACNA1A):c.1669-3T>C

Gene: CACNA1A (calcium voltage-gated channel subunit alpha1 A; minus strand). Cytogenetic location: 19p13.13.
Variant type: single nucleotide variant.
Coding change: c.1669-3T>C on transcript NM_001127222.2 (MANE Select); 3 bases into the intron before coding-DNA position 1669, T replaced by C.
Molecular consequence: intron variant.
Genome position (GRCh38, 1-based): chr19:13,308,531, A>G on the plus strand (T>C on the coding strand, the complement: CACNA1A is on the minus strand). VCF-style: chr19-13308531-A-G. GRCh37 (hg19) VCF-style: chr19-13419345-A-G.
Other names: c.1672-3T>C (NM_001127221.2, NM_001174080.2, NM_000068.4 and 1 more transcripts).
Identifiers: ClinVar variation 938201 (VCV000938201.10), dbSNP rs750090822, ClinGen allele CA9240754.

ClinVar aggregate classification (germline): Uncertain significance (1 of 4 stars; one submission).

Conditions:
Developmental and epileptic encephalopathy, 42 (DEE42A). Also called: DEVELOPMENTAL AND EPILEPTIC ENCEPHALOPATHY 42A; EPILEPTIC ENCEPHALOPATHY, EARLY INFANTILE, 42A; Epileptic encephalopathy, early infantile, 42. Identifiers: MedGen C4310716, MONDO:0014917, OMIM 617106.
Episodic ataxia type 2 (EA2). Also called: CEREBELLAR ATAXIA, PAROXYSMAL, ACETAZOLAMIDE-RESPONSIVE; CEREBELLOPATHY, HEREDITARY PAROXYSMAL; EPISODIC ATAXIA, NYSTAGMUS-ASSOCIATED; ACETAZOLAMIDE-RESPONSIVE HEREDITARY PAROXYSMAL CEREBELLAR ATAXIA; ATAXIA, EPISODIC, WITH NYSTAGMUS; ATAXIA, FAMILIAL PAROXYSMAL. Identifiers: Orphanet 97, MedGen C1720416, MONDO:0007163, OMIM 108500.

Allele frequency attached by ClinVar (database versions not stated): gnomAD exomes below 0.00001; ExAC 0.00001.
gnomAD v4.1: 6 of 1,587,630 alleles (0.00038%); highest among the groups gnomAD compares: South Asian, 0.0011%; no homozygotes.

Submission:

Labcorp Genetics (formerly Invitae), Labcorp
Classification: Uncertain significance for Developmental and epileptic encephalopathy, 42; Episodic ataxia type 2. Last evaluated: 2019-10-01. Review status: criteria provided, single submitter. Criteria: Invitae Variant Classification Sherloc (09022015). Collection method: clinical testing. Allele origin: germline.
Comment: In summary, the available evidence is currently insufficient to determine the role of this variant in disease. Therefore, it has been classified as a Variant of Uncertain Significance. Nucleotide substitutions within the consensus splice site are a relatively common cause of aberrant splicing (PMID: 17576681, 9536098). Algorithms developed to predict the effect of sequence changes on RNA splicing suggest that this variant may disrupt the consensus splice site, but this prediction has not been confirmed by published transcriptional studies. This variant has not been reported in the literature in individuals with CACNA1A-related conditions. This variant is present in population databases (rs750090822, ExAC 0.008%). This sequence change falls in intron 12 of the CACNA1A gene. It does not directly change the encoded amino acid sequence of the CACNA1A protein, but it affects a nucleotide within the consensus splice site of the intron.

Literature cited by the submitters: PubMed 17576681; PubMed 9536098.